The following is an entry in ClinVar:

ClinVar aggregate classification (germline): Uncertain significance (1 of 4 stars; one submission).

Conditions:
Inborn genetic diseases. Identifiers: MedGen C0950123, MeSH D030342.

gnomAD v4.1: 5 of 1,614,040 alleles (0.00031%); highest among the groups gnomAD compares: African/African-American, 0.0053%; no homozygotes.

Submission:

Ambry Genetics
Classification: Uncertain significance for Inborn genetic diseases. Last evaluated: 2022-09-18. Review status: criteria provided, single submitter. Criteria: Ambry Variant Classification Scheme 2023. Collection method: clinical testing. Allele origin: germline.
Comment: The p.N847K variant (also known as c.2541C>A), located in coding exon 16 of the EPAS1 gene, results from a C to A substitution at nucleotide position 2541. The asparagine at codon 847 is replaced by lysine, an amino acid with similar properties. This amino acid position is conserved. In addition, the in silico prediction for this alteration is inconclusive. Since supporting evidence is limited at this time, the clinical significance of this alteration remains unclear.

NM_001430.5(EPAS1):c.2541C>A (p.Asn847Lys)

Gene: EPAS1 (endothelial PAS domain protein 1; plus strand). Cytogenetic location: 2p21.
Variant type: single nucleotide variant.
Coding change: c.2541C>A on transcript NM_001430.5 (MANE Select); coding-DNA position 2541, C replaced by A.
Protein change: p.Asn847Lys; replaces asparagine 847 with lysine.
Molecular consequence: missense variant.
Genome position (GRCh38, 1-based): chr2:46,384,588, C>A. VCF-style: chr2-46384588-C-A. GRCh37 (hg19) VCF-style: chr2-46611727-C-A.
Other names: short protein forms N847K.
Identifiers: ClinVar variation 1792826 (VCV001792826.2), dbSNP rs752476478, ClinGen allele CA46571235.